The following is an entry in ClinVar:

ClinVar aggregate classification (germline): Uncertain significance (1 of 4 stars; one submission).

Conditions:
Left ventricular noncompaction 1 (LVNC1). Also called: LEFT VENTRICULAR NONCOMPACTION 1 WITH OR WITHOUT CONGENITAL HEART DEFECTS. Identifiers: Orphanet 54260, MedGen C1858725, MONDO:0011403, OMIM 604169.

Allele frequency attached by ClinVar (database versions not stated): ExAC 0.00001; gnomAD 0.00001; ESP Exome Variant Server 0.00008.
gnomAD v4.1: 4 of 1,613,940 alleles (0.00025%); highest among the groups gnomAD compares: Middle Eastern, 0.016%; no homozygotes.

Submission:

Labcorp Genetics (formerly Invitae), Labcorp
Classification: Uncertain significance for Left ventricular noncompaction 1. Last evaluated: 2022-07-27. Review status: criteria provided, single submitter. Criteria: Invitae Variant Classification Sherloc (09022015). Collection method: clinical testing. Allele origin: germline.
Comment: In summary, the available evidence is currently insufficient to determine the role of this variant in disease. Therefore, it has been classified as a Variant of Uncertain Significance. Algorithms developed to predict the effect of missense changes on protein structure and function are either unavailable or do not agree on the potential impact of this missense change (SIFT: "Deleterious"; PolyPhen-2: "Benign"; Align-GVGD: "Class C0"). This variant has not been reported in the literature in individuals affected with DTNA-related conditions. This variant is present in population databases (rs376851710, gnomAD 0.007%). This sequence change replaces proline, which is neutral and non-polar, with serine, which is neutral and polar, at codon 663 of the DTNA protein (p.Pro663Ser).

NM_001386795.1(DTNA):c.2068C>T (p.Pro690Ser)

Gene: DTNA (dystrobrevin alpha; plus strand). Cytogenetic location: 18q12.1.
Variant type: single nucleotide variant.
Coding change: c.2068C>T on transcript NM_001386795.1 (MANE Select); coding-DNA position 2068, C replaced by T.
Protein change: p.Pro690Ser; replaces proline 690 with serine.
Molecular consequence: missense variant.
Genome position (GRCh38, 1-based): chr18:34,879,625, C>T. VCF-style: chr18-34879625-C-T. GRCh37 (hg19) VCF-style: chr18-32459589-C-T.
Other names: c.1807C>T, p.Pro603Ser (NM_001198938.2, NM_001198940.2, NM_001386753.1 and 5 more transcripts); c.1828C>T, p.Pro610Ser (NM_001198939.2); c.1114C>T, p.Pro372Ser (NM_001198942.1); c.1057C>T, p.Pro353Ser (NM_001198943.1); c.943C>T, p.Pro315Ser (NM_001198944.1); c.1897C>T, p.Pro633Ser (NM_001386754.1, NM_001386755.1, NM_001386756.1 and 3 more transcripts); c.1894C>T, p.Pro632Ser (NM_001386760.1); c.1816C>T, p.Pro606Ser (NM_001386761.1, NM_032975.4); and 5 more; short protein forms P632S, P663S, P315S, P311S, P353S, P372S, P602S, P603S.
Identifiers: ClinVar variation 1941867 (VCV001941867.5), dbSNP rs376851710, ClinGen allele CA8935926.
Genomic context (GRCh38, chr18:34,879,625, plus strand): 5'-ACAGAGAGTAATGTGGATTCTGAATTTGCACGGACTCAGTTTGAGGATCTTGTTCCCTCA[C>T]CAACCTCTGAAAAGGCTTTTCTAGCGCAAATCCATGCCCGAAAACCTGGGTACATTCACA-3'
Protein context (NP_001373724.1, residues 680-700): RTQFEDLVPS[Pro690Ser]TSEKAFLAQI